The following is an entry in ClinVar:

ClinVar aggregate classification (germline): Pathogenic (1 of 4 stars; one submission).

Submission:

Labcorp Genetics (formerly Invitae), Labcorp
Classification: Pathogenic. Last evaluated: 2023-08-27. Review status: criteria provided, single submitter. Criteria: Invitae Variant Classification Sherloc (09022015). Collection method: clinical testing. Allele origin: germline.
Comment: This sequence change creates a premature translational stop signal (p.Val367Cysfs*2) in the MCM3AP gene. It is expected to result in an absent or disrupted protein product. Loss-of-function variants in MCM3AP are known to be pathogenic (PMID: 28633435). For these reasons, this variant has been classified as Pathogenic. ClinVar contains an entry for this variant (Variation ID: 2113669). This variant has not been reported in the literature in individuals affected with MCM3AP-related conditions. This variant is not present in population databases (gnomAD no frequency).

Literature cited by the submitters: PubMed 28633435.

NM_003906.5(MCM3AP):c.1098dup (p.Val367fs)

Gene: MCM3AP (minichromosome maintenance complex component 3 associated protein; minus strand). Cytogenetic location: 21q22.3.
Variant type: Duplication.
Coding change: c.1098dup on transcript NM_003906.5 (MANE Select); coding-DNA position 1098, one base duplicated (T; older notation c.1098dupT).
Protein change: p.Val367fs; shifts the reading frame from valine 367.
Molecular consequence: frameshift variant.
Genome position (GRCh38, 1-based): chr21:46,284,189, A duplicated on the plus strand (T on the coding strand, the reverse complement: MCM3AP is on the minus strand); the first of 3 consecutive A bases (chr21:46,284,189-46,284,191); duplicating any one gives the same sequence. VCF-style (leftmost placement, unchanged base first): chr21-46284188-C-CA. GRCh37 (hg19) VCF-style: chr21-47704102-C-CA.
Other names: short protein forms V367fs.
Identifiers: ClinVar variation 2113669 (VCV002113669.4), dbSNP rs2517435640, ClinGen allele CA2580098971.
Genomic context (GRCh38, chr21:46,284,188, plus strand): 5'-GTGCCAGGACAGACTGATTCCCTCCTGGGATAGCCATGTGGTCACTTTCTGCAGACTCAA[C>CA]AAAGCCAGTTTCCTTTTTGGCCTCCTTGTTGCCCAGACGACCTACTTCCTTATTGCTTTT-3'